The following is an entry in ClinVar:

NM_004370.6(COL12A1):c.7907A>G (p.Asp2636Gly)

Gene: COL12A1 (collagen type XII alpha 1 chain; minus strand). Cytogenetic location: 6q13.
Variant type: single nucleotide variant.
Coding change: c.7907A>G on transcript NM_004370.6 (MANE Select); coding-DNA position 7907, A replaced by G.
Protein change: p.Asp2636Gly; replaces aspartic acid 2636 with glycine.
Molecular consequence: missense variant.
Genome position (GRCh38, 1-based): chr6:75,113,247, T>C on the plus strand (A>G on the coding strand, the complement: COL12A1 is on the minus strand). VCF-style: chr6-75113247-T-C. GRCh37 (hg19) VCF-style: chr6-75822963-T-C.
Other names: c.7907A>G, p.Asp2636Gly (NM_001424113.1); c.7886A>G, p.Asp2629Gly (NM_001424114.1); c.7634A>G, p.Asp2545Gly (NM_001424115.1); c.4415A>G, p.Asp1472Gly (NM_001424116.1, NM_080645.3); short protein forms D1472G, D2545G, D2629G, D2636G.
Identifiers: ClinVar variation 3390591 (VCV003390591.1).

ClinVar aggregate classification (germline): Uncertain significance (1 of 4 stars; one submission).

Submission:

GeneDx
Classification: Uncertain significance. Last evaluated: 2024-06-14. Review status: criteria provided, single submitter. Criteria: GeneDx Variant Classification Process June 2021. Collection method: clinical testing. Allele origin: germline. Affected: yes.
Comment: Not observed at significant frequency in large population cohorts (gnomAD); In silico analysis supports that this missense variant has a deleterious effect on protein structure/function; Has not been previously published as pathogenic or benign to our knowledge